The following is an entry in ClinVar:

NM_001130823.3(DNMT1):c.1500C>T (p.Ala500=)

Gene: DNMT1 (DNA methyltransferase 1; minus strand). Cytogenetic location: 19p13.2.
Variant type: single nucleotide variant.
Coding change: c.1500C>T on transcript NM_001130823.3 (MANE Select); coding-DNA position 1500, C replaced by T.
Protein change: p.Ala500=; no amino-acid change (alanine 500 retained).
Molecular consequence: synonymous variant.
Genome position (GRCh38, 1-based): chr19:10,155,049, G>A on the plus strand (C>T on the coding strand, the complement: DNMT1 is on the minus strand). VCF-style: chr19-10155049-G-A. GRCh37 (hg19) VCF-style: chr19-10265725-G-A.
Other names: c.1452C>T, p.Ala484= (NM_001318730.2, NM_001379.4); c.1137C>T, p.Ala379= (NM_001318731.2); c.1500C>T (LRG_362t1).
Identifiers: ClinVar variation 327910 (VCV000327910.29), dbSNP rs75443147, ClinGen allele CA9188276.

ClinVar aggregate classification (germline): Benign. Review status: criteria provided, multiple submitters, no conflicts (2 of 4 stars). 7 submissions from 7 submitters: Benign (5). 2 of the submissions do not count toward it. Last evaluated 2026-02-02.

Conditions:
Hereditary sensory neuropathy-deafness-dementia syndrome. Also called: Hereditary sensory neuropathy type IE; Hereditary Sensory and Autonomic Neuropathy Type 1E (HSAN1E); HSN IE; NEUROPATHY, HEREDITARY SENSORY, WITH HEARING LOSS AND DEMENTIA. Identifiers: Orphanet 456318, MedGen C3279885, MONDO:0013584, OMIM 614116.

Allele frequency attached by ClinVar (database versions not stated): ESP Exome Variant Server 0.00062; TOPMed 0.00194; gnomAD 0.00552 and 0.00586; ExAC 0.00769; 1000 Genomes Project 30x 0.00781; 1000 Genomes Project 0.00859; gnomAD exomes 0.00874.
gnomAD v4.1: 6,577 of 1,614,048 alleles (0.41%); highest among the groups gnomAD compares: East Asian, 3.5%; 135 homozygotes.

Submissions (7):

Labcorp Genetics (formerly Invitae), Labcorp
Classification: Benign for Hereditary sensory neuropathy-deafness-dementia syndrome. Last evaluated: 2026-02-02. Review status: criteria provided, single submitter. Criteria: Invitae Variant Classification Sherloc (09022015). Collection method: clinical testing. Allele origin: germline.

ARUP Laboratories, Molecular Genetics and Genomics, ARUP Laboratories
Classification: Benign. Last evaluated: 2025-07-17. Review status: criteria provided, single submitter. Criteria: ARUP Molecular Germline Variant Investigation Process 2024. Collection method: clinical testing. Allele origin: germline.

Illumina Laboratory Services, Illumina
Classification: Benign for Hereditary sensory neuropathy-deafness-dementia syndrome. Last evaluated: 2018-01-13. Review status: criteria provided, single submitter. Criteria: ICSL Variant Classification Criteria 13 December 2019. Collection method: clinical testing. Allele origin: germline.
Comment: This variant was observed in the ICSL laboratory as part of a predisposition screen in an ostensibly healthy population. It had not been previously curated by ICSL or reported in the Human Gene Mutation Database (HGMD: prior to June 1st, 2018), and was therefore a candidate for classification through an automated scoring system. Utilizing variant allele frequency, disease prevalence and penetrance estimates, and inheritance mode, an automated score was calculated to assess if this variant is too frequent to cause the disease. Based on the score and internal cut-off values, a variant classified as benign is not then subjected to further curation. The score for this variant resulted in a classification of benign for this disease.

GeneDx
Classification: Benign. Last evaluated: 2016-03-25. Review status: criteria provided, single submitter. Criteria: GeneDx Variant Classification (06012015). Collection method: clinical testing. Allele origin: germline. Affected: yes.
Comment: This variant is considered likely benign or benign based on one or more of the following criteria: it is a conservative change, it occurs at a poorly conserved position in the protein, it is predicted to be benign by multiple in silico algorithms, and/or has population frequency not consistent with disease.

Breakthrough Genomics
Classification: Benign. Review status: criteria provided, single submitter. Criteria: ACMG Guidelines, 2015. Collection method: not provided. Allele origin: germline. Inheritance: Autosomal dominant inheritance. Affected: yes.

Clinical Genetics DNA and cytogenetics Diagnostics Lab, Erasmus MC, Erasmus Medical Center
Classification: Likely benign. Review status: no assertion criteria provided. Collection method: clinical testing. Allele origin: germline. Affected: yes. Study: VKGL Data-share Consensus. Not counted in ClinVar's aggregate classification.

Clinical Genetics, Academic Medical Center
Classification: Benign. Review status: no assertion criteria provided. Collection method: clinical testing. Allele origin: germline. Affected: yes. Study: VKGL Data-share Consensus. Not counted in ClinVar's aggregate classification.